The following is an entry in ClinVar:

NM_005235.3(ERBB4):c.1597A>G (p.Ile533Val)

Gene: ERBB4 (erb-b2 receptor tyrosine kinase 4; minus strand). Cytogenetic location: 2q34.
Variant type: single nucleotide variant.
Coding change: c.1597A>G on transcript NM_005235.3 (MANE Select); coding-DNA position 1597, A replaced by G.
Protein change: p.Ile533Val; replaces isoleucine 533 with valine.
Molecular consequence: missense variant.
Genome position (GRCh38, 1-based): chr2:211,679,077, T>C on the plus strand (A>G on the coding strand, the complement: ERBB4 is on the minus strand). VCF-style: chr2-211679077-T-C. GRCh37 (hg19) VCF-style: chr2-212543802-T-C.
Other names: c.1597A>G, p.Ile533Val (NM_001042599.2); short protein forms I533V.
Identifiers: ClinVar variation 2044795 (VCV002044795.4), dbSNP rs780678450, ClinGen allele CA2088098.
Genomic context (GRCh38, chr2:211,679,077, plus strand): 5'-TCATGAGGTGAAGGCAACCCTAGAAGAAGCCTTACCCATCATAGAGGTTACAAGACTCTA[T>C]GCAGATCCTTCCTCTACTGAAGCGGCGACACGACAGACATTGGTCTGGCCCAGGTCCCCA-3'
Protein context (NP_005226.1, residues 523-543): CRRFSRGRIC[Ile533Val]ESCNLYDGEF

ClinVar aggregate classification (germline): Uncertain significance (1 of 4 stars; one submission).

Allele frequency attached by ClinVar (database versions not stated): gnomAD exomes below 0.00001; TOPMed below 0.00001; ExAC 0.00001.
gnomAD v4.1: 1 of 1,612,814 alleles (0.000062%); highest among the groups gnomAD compares: Non-Finnish European, 0.000085%; no homozygotes.

Submission:

Labcorp Genetics (formerly Invitae), Labcorp
Classification: Uncertain significance. Last evaluated: 2021-12-17. Review status: criteria provided, single submitter. Criteria: Invitae Variant Classification Sherloc (09022015). Collection method: clinical testing. Allele origin: germline.
Comment: This sequence change replaces isoleucine, which is neutral and non-polar, with valine, which is neutral and non-polar, at codon 533 of the ERBB4 protein (p.Ile533Val). This variant is present in population databases (rs780678450, gnomAD 0.0009%). This variant has not been reported in the literature in individuals affected with ERBB4-related conditions. Algorithms developed to predict the effect of missense changes on protein structure and function (SIFT, PolyPhen-2, Align-GVGD) all suggest that this variant is likely to be tolerated. In summary, the available evidence is currently insufficient to determine the role of this variant in disease. Therefore, it has been classified as a Variant of Uncertain Significance.